The following is an entry in ClinVar:

NM_002485.5(NBN):c.1702A>G (p.Lys568Glu)

Gene: NBN (nibrin; minus strand). Cytogenetic location: 8q21.3.
Variant type: single nucleotide variant.
Coding change: c.1702A>G on transcript NM_002485.5 (MANE Select); coding-DNA position 1702, A replaced by G.
Protein change: p.Lys568Glu; replaces lysine 568 with glutamic acid.
Molecular consequence: missense variant.
Genome position (GRCh38, 1-based): chr8:89,953,387, T>C on the plus strand (A>G on the coding strand, the complement: NBN is on the minus strand). VCF-style: chr8-89953387-T-C. GRCh37 (hg19) VCF-style: chr8-90965615-T-C.
Other names: c.1456A>G, p.Lys486Glu (NM_001024688.3); short protein forms K486E, K568E.
Identifiers: ClinVar variation 2125789 (VCV002125789.1), dbSNP rs2129698293, ClinGen allele CA371655284.

ClinVar aggregate classification (germline): Uncertain significance (1 of 4 stars; one submission).

Conditions:
Microcephaly, normal intelligence and immunodeficiency (NBS). Also called: Nijmegen breakage syndrome; Microcephaly with normal intelligence immunodeficiency and lymphoreticular malignancies; Nonsyndromal microcephaly autosomal recessive with normal intelligence; Seemanova syndrome 2; Immunodeficiency, microcephaly with normal intelligence; Ataxia telangiectasia variant V1. Identifiers: Orphanet 647, MedGen C0398791, MONDO:0009623, OMIM 251260.

Allele frequency attached by ClinVar (database versions not stated): gnomAD exomes below 0.00001.
gnomAD v4.1: 1 of 1,613,774 alleles (0.000062%); highest among the groups gnomAD compares: Non-Finnish European, 0.000085%; no homozygotes.

Submission:

Labcorp Genetics (formerly Invitae), Labcorp
Classification: Uncertain significance for Microcephaly, normal intelligence and immunodeficiency. Last evaluated: 2022-04-12. Review status: criteria provided, single submitter. Criteria: Invitae Variant Classification Sherloc (09022015). Collection method: clinical testing. Allele origin: germline.
Comment: This sequence change replaces lysine, which is basic and polar, with glutamic acid, which is acidic and polar, at codon 568 of the NBN protein (p.Lys568Glu). This variant is not present in population databases (gnomAD no frequency). This variant has not been reported in the literature in individuals affected with NBN-related conditions. Algorithms developed to predict the effect of missense changes on protein structure and function (SIFT, PolyPhen-2, Align-GVGD) all suggest that this variant is likely to be tolerated. In summary, the available evidence is currently insufficient to determine the role of this variant in disease. Therefore, it has been classified as a Variant of Uncertain Significance.